The following is an entry in ClinVar:

NM_004667.6(HERC2):c.9564C>T (p.Gly3188=)

Gene: HERC2 (HECT and RLD domain containing E3 ubiquitin protein ligase 2; minus strand). Cytogenetic location: 15q13.1.
Variant type: single nucleotide variant.
Coding change: c.9564C>T on transcript NM_004667.6 (MANE Select); coding-DNA position 9564, C replaced by T.
Protein change: p.Gly3188=; no amino-acid change (glycine 3188 retained).
Molecular consequence: synonymous variant.
Genome position (GRCh38, 1-based): chr15:28,176,550, G>A on the plus strand (C>T on the coding strand, the complement: HERC2 is on the minus strand). VCF-style: chr15-28176550-G-A. GRCh37 (hg19) VCF-style: chr15-28421696-G-A.
Identifiers: ClinVar variation 3067243 (VCV003067243.21), dbSNP rs753245733, ClinGen allele CA7441125.

ClinVar aggregate classification (germline): Likely benign (1 of 4 stars; one submission).

Allele frequency attached by ClinVar (database versions not stated): gnomAD 0.00001; ExAC 0.00002; gnomAD exomes 0.00002; TOPMed 0.00002.
gnomAD v4.1: 30 of 1,613,900 alleles (0.0019%); highest among the groups gnomAD compares: Non-Finnish European, 0.0023%; no homozygotes.

Submission:

CeGaT Center for Human Genetics Tuebingen
Classification: Likely benign. Last evaluated: 2024-03-01. Review status: criteria provided, single submitter. Criteria: CeGaT Center For Human Genetics Tuebingen Variant Classification Criteria Version 2. Collection method: clinical testing. Allele origin: germline. Affected: yes. Observed: 1 variant allele.
Comment: HERC2: BP4, BP7